The following is an entry in ClinVar:

ClinVar aggregate classification (germline): Pathogenic/Likely pathogenic. Review status: criteria provided, multiple submitters, no conflicts (2 of 4 stars). 4 submissions from 4 submitters: Pathogenic (1); Likely pathogenic (2). 1 of the submissions does not count toward it. Last evaluated 2025-05-07.

Conditions:
OTOA-related disorder. Also called: OTOA-related condition.

Allele frequency attached by ClinVar (database versions not stated): ExAC 0.00002; TOPMed 0.00004; ESP Exome Variant Server 0.00008; gnomAD exomes 0.00002; gnomAD 0.00003.
gnomAD v4.1: 138 of 1,613,074 alleles (0.0086%); highest among the groups gnomAD compares: Non-Finnish European, 0.011%; no homozygotes.

Submissions (4):

GeneDx
Classification: Pathogenic. Last evaluated: 2025-05-07. Review status: criteria provided, single submitter. Criteria: GeneDx Variant Classification Process June 2021. Collection method: clinical testing. Allele origin: germline. Affected: yes.
Comment: Observed with a pathogenic variant in two siblings with bilateral congenital sensorineural hearing loss referred for genetic testing at GeneDx and testing of one parent suggests the variants are likely present on opposite alleles (in trans); Canonical splice site variant predicted to result in a null allele in a gene for which loss-of-function is a known mechanism of disease; Not observed at a significant frequency in large population cohorts (gnomAD); Has not been previously published as pathogenic or benign to our knowledge

Labcorp Genetics (formerly Invitae), Labcorp
Classification: Likely pathogenic. Last evaluated: 2024-12-18. Review status: criteria provided, single submitter. Criteria: Invitae Variant Classification Sherloc (09022015). Collection method: clinical testing. Allele origin: germline.
Comment: This sequence change affects an acceptor splice site in intron 1 of the OTOA gene. It is expected to disrupt RNA splicing. Variants that disrupt the donor or acceptor splice site typically lead to a loss of protein function (PMID: 16199547), and loss-of-function variants in OTOA are known to be pathogenic (PMID: 11972037). This variant is present in population databases (rs376382794, gnomAD 0.005%). Disruption of this splice site has been observed in individual(s) with congenital bilateral deafness (internal data). ClinVar contains an entry for this variant (Variation ID: 489139). Algorithms developed to predict the effect of sequence changes on RNA splicing suggest that this variant may disrupt the consensus splice site. In summary, the currently available evidence indicates that the variant is pathogenic, but additional data are needed to prove that conclusively. Therefore, this variant has been classified as Likely Pathogenic.

Blueprint Genetics
Classification: Likely pathogenic for OTOA-related disorders. Last evaluated: 2024-02-01. Review status: criteria provided, single submitter. Criteria: ACMG Guidelines, 2015. Collection method: clinical testing. Allele origin: germline. Affected: yes. Observed: 1 variant allele.

PreventionGenetics, part of Exact Sciences
Classification: Likely pathogenic for OTOA-related condition. Last evaluated: 2024-08-27. Review status: no assertion criteria provided. Collection method: clinical testing. Allele origin: germline. Not counted in ClinVar's aggregate classification.
Comment: The OTOA c.92-1G>T variant is predicted to disrupt the AG splice acceptor site and interfere with normal splicing. To our knowledge, this variant has not been reported in the literature. This variant is reported in 0.0053% of alleles in individuals of European (Non-Finnish) descent in gnomAD. Variants that disrupt the consensus splice acceptor site in OTOA are expected to be pathogenic. This variant is interpreted as likely pathogenic.

Literature cited by the submitters: PubMed 16199547 (cited by Labcorp Genetics (formerly Invitae), Labcorp); PubMed 11972037 (cited by Labcorp Genetics (formerly Invitae), Labcorp).

NM_144672.4(OTOA):c.92-1G>T

Gene: OTOA (otoancorin). Cytogenetic location: 16p12.2.
Variant type: single nucleotide variant.
Coding change: c.92-1G>T on transcript NM_144672.4 (MANE Select); the canonical splice acceptor site of the intron before coding-DNA position 92, G replaced by T.
Molecular consequence: splice acceptor variant.
Genome position (GRCh38, 1-based): chr16:21,678,914, G>T. VCF-style: chr16-21678914-G-T. GRCh37 (hg19) VCF-style: chr16-21690235-G-T.
Identifiers: ClinVar variation 489139 (VCV000489139.9), dbSNP rs376382794, ClinGen allele CA7952169.